The following is an entry in ClinVar:

NM_001844.5(COL2A1):c.3252G>T (p.Lys1084Asn)

Gene: COL2A1 (collagen type II alpha 1 chain; minus strand). Cytogenetic location: 12q13.11.
Variant type: single nucleotide variant.
Coding change: c.3252G>T on transcript NM_001844.5 (MANE Select); coding-DNA position 3252, G replaced by T.
Protein change: p.Lys1084Asn; replaces lysine 1084 with asparagine.
Molecular consequence: missense variant.
Genome position (GRCh38, 1-based): chr12:47,977,341, C>A on the plus strand (G>T on the coding strand, the complement: COL2A1 is on the minus strand). VCF-style: chr12-47977341-C-A. GRCh37 (hg19) VCF-style: chr12-48371124-C-A.
Other names: c.3045G>T, p.Lys1015Asn (NM_033150.3); short protein forms K1084N, K1015N.
Identifiers: ClinVar variation 1810633 (VCV001810633.9), dbSNP rs756125516, ClinGen allele CA6534828.

ClinVar aggregate classification (germline): Conflicting classifications of pathogenicity. Review status: criteria provided, conflicting classifications (1 of 4 stars). 4 submissions from 4 submitters: Uncertain significance (3); Likely benign (1). Last evaluated 2025-09-09.

Conditions:
Achondrogenesis type II (ACG2). Also called: ACHONDROGENESIS, LANGER-SALDINO TYPE; CHONDROGENESIS IMPERFECTA. Identifiers: Orphanet 932, Orphanet 93296, MedGen C0220685, MONDO:0008702, OMIM 200610.
Spondyloepiphyseal dysplasia with metatarsal shortening. Also called: Pseudorheumatoid dysplasia progressive, with hypoplastic toes; CZECH DYSPLASIA, METATARSAL TYPE; SPONDYLOEPIPHYSEAL DYSPLASIA WITH PRECOCIOUS OSTEOARTHRITIS. Identifiers: Orphanet 137678, MedGen C1836683, MONDO:0012206, OMIM 609162.
Spondyloepimetaphyseal dysplasia, Strudwick type (SEMDSTWK). Also called: DAPPLED METAPHYSIS SYNDROME; STRUDWICK SYNDROME. Identifiers: Orphanet 93346, MedGen C0700635, MONDO:0008476, OMIM 184250.
Avascular necrosis of femoral head, primary, 1 (ANFH1). Also called: Avascular necrosis of femoral head, primary. Identifiers: Orphanet 86820, MedGen C4551562, MONDO:0054550, OMIM 608805.
Multiple epiphyseal dysplasia, Beighton type. Identifiers: Orphanet 166011, MedGen C1851536, MONDO:0007562, OMIM 132450.
Stickler syndrome type 1 (STL1). Also called: ARTHROOPHTHALMOPATHY, HEREDITARY PROGRESSIVE; STICKLER SYNDROME, MEMBRANOUS VITREOUS TYPE; STICKLER SYNDROME, VITREOUS TYPE 1; COL2A1-Related Stickler Syndrome. Identifiers: Orphanet 828, Orphanet 90653, MedGen C2020284, MONDO:0007160, OMIM 108300.
Spondyloperipheral dysplasia. Also called: SPONDYLOPERIPHERAL DYSPLASIA WITH SHORT ULNA; Spondyloperipheral dysplasia-short ulna syndrome. Identifiers: Orphanet 1856, MedGen C0796173, MONDO:0010078, OMIM 271700.
Platyspondylic dysplasia, Torrance type (PLSDT). Identifiers: Orphanet 85166, MedGen C1835437, MONDO:0007895, OMIM 151210.
Spondyloepiphyseal dysplasia congenita (SEDC). Also called: SED CONGENITA; SPONDYLOEPIPHYSEAL DYSPLASIA, CONGENITAL TYPE. Identifiers: Orphanet 94068, MedGen C2745959, MONDO:0008471, OMIM 183900.
Legg-Calve-Perthes disease. Also called: Avascular necrosis of the capital femoral epiphysis; PERTHES DISEASE; Osteochondritis deformans; Coxa plana. Identifiers: Orphanet 2380, MedGen C1442965, MONDO:0007885, OMIM 150600, HP:0005743.
Kniest dysplasia. Identifiers: Orphanet 485, MedGen C0265279, MONDO:0007987, OMIM 156550.
Vitreoretinopathy with phalangeal epiphyseal dysplasia (VPED). Identifiers: MedGen C1852989, MONDO:0031001, OMIM 619248.
Namaqualand hip dysplasia (OSCDP). Also called: Mild spondyloepiphyseal dysplasia due to COL2A1 mutation with early-onset osteoarthritis. Identifiers: Orphanet 93279, MedGen C0432214, MONDO:0011496, OMIM 604864.
Stickler syndrome, type I, nonsyndromic ocular. Also called: STICKLER SYNDROME, TYPE I, PREDOMINANTLY OCULAR; STICKLER SYNDROME, ATYPICAL. Identifiers: MedGen C1836080, MONDO:0012287, OMIM 609508.
Spondyloepiphyseal dysplasia, Stanescu type. Also called: SED, STANESCU TYPE; SPONDYLOEPIMETAPHYSEAL DYSPLASIA, STANESCU TYPE. Identifiers: Orphanet 459051, MedGen C4225273, MONDO:0014701, OMIM 616583.
Inborn genetic diseases. Identifiers: MedGen C0950123, MeSH D030342.

Allele frequency attached by ClinVar (database versions not stated): gnomAD exomes below 0.00001; ExAC 0.00002; TOPMed 0.00002.
gnomAD v4.1: 6 of 1,613,618 alleles (0.00037%); highest among the groups gnomAD compares: Admixed American, 0.01%; no homozygotes.

Submissions (4):

GeneDx
Classification: Uncertain significance. Last evaluated: 2025-09-09. Review status: criteria provided, single submitter. Criteria: GeneDx Variant Classification Process June 2021. Collection method: clinical testing. Allele origin: germline.
Comment: Occurs in the triple helical domain at the X position in the canonical Gly-X-Y repeat; although this variant may have an effect on normal protein folding and function, missense substitution at the X position is not a common mechanism of disease (HGMD); In silico analysis supports that this missense variant has a deleterious effect on protein structure/function; Has not been previously published as pathogenic or benign to our knowledge

Labcorp Genetics (formerly Invitae), Labcorp
Classification: Likely benign. Last evaluated: 2025-05-21. Review status: criteria provided, single submitter. Criteria: Invitae Variant Classification Sherloc (09022015). Collection method: clinical testing. Allele origin: germline.

Fulgent Genetics
Classification: Uncertain significance for Stickler syndrome type 1; Multiple epiphyseal dysplasia, Beighton type; Legg-Calve-Perthes disease; Platyspondylic dysplasia, Torrance type; Kniest dysplasia; Spondyloepiphyseal dysplasia congenita; Spondyloepimetaphyseal dysplasia, Strudwick type; Achondrogenesis type II; Spondyloperipheral dysplasia; Namaqualand hip dysplasia; Avascular necrosis of femoral head, primary, 1; Spondyloepiphyseal dysplasia with metatarsal shortening; Stickler syndrome, type I, nonsyndromic ocular; Spondyloepiphyseal dysplasia, Stanescu type; Vitreoretinopathy with phalangeal epiphyseal dysplasia. Last evaluated: 2024-04-09. Review status: criteria provided, single submitter. Criteria: ACMG Guidelines, 2015. Collection method: clinical testing. Allele origin: germline.

Ambry Genetics
Classification: Uncertain significance for Inborn genetic diseases. Last evaluated: 2022-05-06. Review status: criteria provided, single submitter. Criteria: Ambry Variant Classification Scheme 2023. Collection method: clinical testing. Allele origin: germline.